The following is an entry in ClinVar:

NM_001080517.3(SETD5):c.329+5G>A

Gene: SETD5 (SET domain containing 5; plus strand). Cytogenetic location: 3p25.3.
Variant type: single nucleotide variant.
Coding change: c.329+5G>A on transcript NM_001080517.3 (MANE Select); 5 bases into the intron after coding-DNA position 329, G replaced by A.
Molecular consequence: intron variant.
Genome position (GRCh38, 1-based): chr3:9,434,490, G>A. VCF-style: chr3-9434490-G-A. GRCh37 (hg19) VCF-style: chr3-9476174-G-A.
Other names: c.-46+5G>A (NM_001349451.2); c.-5+5G>A (NM_001292043.2).
Identifiers: ClinVar variation 432470 (VCV000432470.2), dbSNP rs1553617359, ClinGen allele CA645372715.

ClinVar aggregate classification (germline): Uncertain significance (1 of 4 stars; one submission).

Submission:

GeneDx
Classification: Uncertain significance. Last evaluated: 2018-06-07. Review status: criteria provided, single submitter. Criteria: GeneDx Variant Classification (06012015). Collection method: clinical testing. Allele origin: germline. Affected: yes.
Comment: A variant of uncertain significance has been identified in the SETD5 gene. The c.329+5 G>A variant has not been published as a pathogenic variant, nor has it been reported as a benign variant to our knowledge. The c.329+5 G>A variant is not observed in large population cohorts (Lek et al., 2016; 1000 Genomes Consortium et al., 2015; Exome Variant Server). Several in-silico splice prediction models predict that c.329+5 G>A may damage the natural donor site and lead to abnormal gene splicing. However, in the absence of RNA/functional studies, the actual effect of this sequence change in this individual is unknown. Additionally, this substitution occurs at a position that is not conserved. Therefore, based on the currently available information, it is unclear whether this variant is a pathogenic variant or a rare benign variant.